The following is an entry in ClinVar:

NM_206933.4(USH2A):c.12269C>T (p.Pro4090Leu)

Gene: USH2A (usherin; minus strand). Cytogenetic location: 1q41.
Variant type: single nucleotide variant.
Coding change: c.12269C>T on transcript NM_206933.4 (MANE Select); coding-DNA position 12269, C replaced by T.
Protein change: p.Pro4090Leu; replaces proline 4090 with leucine.
Molecular consequence: missense variant.
Genome position (GRCh38, 1-based): chr1:215,680,174, G>A on the plus strand (C>T on the coding strand, the complement: USH2A is on the minus strand). VCF-style: chr1-215680174-G-A. GRCh37 (hg19) VCF-style: chr1-215853516-G-A.
Other names: short protein forms P4090L.
Identifiers: ClinVar variation 2081963 (VCV002081963.4), dbSNP rs1658178709, ClinGen allele CA344815836.

ClinVar aggregate classification (germline): Likely pathogenic (1 of 4 stars; one submission).

gnomAD v4.1: 1 of 1,614,100 alleles (0.000062%); no homozygotes.

Submission:

Labcorp Genetics (formerly Invitae), Labcorp
Classification: Likely pathogenic. Last evaluated: 2022-11-29. Review status: criteria provided, single submitter. Criteria: Invitae Variant Classification Sherloc (09022015). Collection method: clinical testing. Allele origin: germline.
Comment: In summary, the currently available evidence indicates that the variant is pathogenic, but additional data are needed to prove that conclusively. Therefore, this variant has been classified as Likely Pathogenic. This variant disrupts the p.Pro4090 amino acid residue in USH2A. Other variant(s) that disrupt this residue have been determined to be pathogenic (PMID: 23591405, 28559085; Invitae). This suggests that this residue is clinically significant, and that variants that disrupt this residue are likely to be disease-causing. Advanced modeling of protein sequence and biophysical properties (such as structural, functional, and spatial information, amino acid conservation, physicochemical variation, residue mobility, and thermodynamic stability) performed at Invitae indicates that this missense variant is expected to disrupt USH2A protein function. This variant has not been reported in the literature in individuals affected with USH2A-related conditions. This variant is not present in population databases (gnomAD no frequency). This sequence change replaces proline, which is neutral and non-polar, with leucine, which is neutral and non-polar, at codon 4090 of the USH2A protein (p.Pro4090Leu).

Literature cited by the submitters: PubMed 23591405; PubMed 28559085.